The following is an entry in ClinVar:

ClinVar aggregate classification (germline): Benign. Review status: criteria provided, multiple submitters, no conflicts (2 of 4 stars). 2 submissions from 2 submitters: Benign (2). Last evaluated 2024-10-17.

Conditions:
Hereditary leiomyomatosis and renal cell cancer. Also called: MULTIPLE CUTANEOUS AND UTERINE LEIOMYOMATA 1, WITH OR WITHOUT RENAL CELL CARCINOMA; LEIOMYOMA, MULTIPLE CUTANEOUS; Reed syndrome; Multiple cutaneous and uterine leiomyomatosis; Cutaneous leiomyomata with uterine leiomyomata; Leiomyoma, hereditary multiple, of skin. Identifiers: Orphanet 523, MedGen C1708350, MONDO:0007888, OMIM 150800, HP:0007437. Disease mechanism: loss of function.

Submissions (2):

Myriad Genetics, Inc.
Classification: Benign for Hereditary leiomyomatosis and renal cell cancer. Last evaluated: 2024-10-17. Review status: criteria provided, single submitter. Criteria: Myriad Autosomal Dominant, Autosomal Recessive and X-Linked Classification Criteria (2023). Collection method: clinical testing. Allele origin: unknown.
Comment: This variant is considered benign. This variant is intronic and is not expected to impact mRNA splicing.

Labcorp Genetics (formerly Invitae), Labcorp
Classification: Benign. Last evaluated: 2024-03-23. Review status: criteria provided, single submitter. Criteria: Invitae Variant Classification Sherloc (09022015). Collection method: clinical testing. Allele origin: germline.

NM_000143.4(FH):c.379-17dup

Gene: FH (fumarate hydratase; minus strand). Cytogenetic location: 1q43.
Variant type: Duplication.
Coding change: c.379-17dup on transcript NM_000143.4 (MANE Select); 17 bases into the intron before coding-DNA position 379, one base duplicated (T; older notation c.379-17dupT).
Molecular consequence: intron variant.
Genome position (GRCh38, 1-based): chr1:241,512,160, A duplicated on the plus strand (T on the coding strand, the reverse complement: FH is on the minus strand); the first of 5 consecutive A bases (chr1:241,512,160-241,512,164); duplicating any one gives the same sequence. VCF-style (leftmost placement, unchanged base first): chr1-241512159-T-TA. GRCh37 (hg19) VCF-style: chr1-241675459-T-TA.
Identifiers: ClinVar variation 1600463 (VCV001600463.9), dbSNP rs1205896768, ClinGen allele CA530379047.